The following is an entry in ClinVar:

ClinVar aggregate classification (germline): Likely benign. Review status: criteria provided, multiple submitters, no conflicts (2 of 4 stars). 2 submissions from 2 submitters: Likely benign (2). Last evaluated 2026-01-20.

Allele frequency attached by ClinVar (database versions not stated): gnomAD exomes 0.00009; TOPMed 0.00024; gnomAD 0.00030; ESP Exome Variant Server 0.00039; ExAC 0.00040; 1000 Genomes Project 30x 0.00078; 1000 Genomes Project 0.00080.
gnomAD v4.1: 181 of 1,565,720 alleles (0.012%); highest among the groups gnomAD compares: Middle Eastern, 0.084%; 1 homozygote.

Submissions (2):

Labcorp Genetics (formerly Invitae), Labcorp
Classification: Likely benign. Last evaluated: 2026-01-20. Review status: criteria provided, single submitter. Criteria: Invitae Variant Classification Sherloc (09022015). Collection method: clinical testing. Allele origin: germline.

CeGaT Center for Human Genetics Tuebingen
Classification: Likely benign. Last evaluated: 2024-12-01. Review status: criteria provided, single submitter. Criteria: CeGaT Center For Human Genetics Tuebingen Variant Classification Criteria Version 2. Collection method: clinical testing. Allele origin: germline. Affected: yes. Observed: 4 variant alleles.
Comment: DLL1: BP4, BP7

NM_005618.4(DLL1):c.1533C>T (p.Tyr511=)

Gene: DLL1 (delta like canonical Notch ligand 1; minus strand). Cytogenetic location: 6q27.
Variant type: single nucleotide variant.
Coding change: c.1533C>T on transcript NM_005618.4 (MANE Select); coding-DNA position 1533, C replaced by T.
Protein change: p.Tyr511=; no amino-acid change (tyrosine 511 retained).
Molecular consequence: synonymous variant.
Genome position (GRCh38, 1-based): chr6:170,283,746, G>A on the plus strand (C>T on the coding strand, the complement: DLL1 is on the minus strand). VCF-style: chr6-170283746-G-A. GRCh37 (hg19) VCF-style: chr6-170592834-G-A.
Identifiers: ClinVar variation 2079255 (VCV002079255.28), dbSNP rs200599597, ClinGen allele CA4106799.